The following is an entry in ClinVar:

NM_000264.5(PTCH1):c.3691G>A (p.Val1231Met)

Gene: PTCH1 (patched 1; minus strand). Cytogenetic location: 9q22.32.
Variant type: single nucleotide variant.
Coding change: c.3691G>A on transcript NM_000264.5 (MANE Select); coding-DNA position 3691, G replaced by A.
Protein change: p.Val1231Met; replaces valine 1231 with methionine.
Molecular consequence: missense variant. On other transcripts: non-coding transcript variant (1).
Genome position (GRCh38, 1-based): chr9:95,449,182, C>T on the plus strand (G>A on the coding strand, the complement: PTCH1 is on the minus strand). VCF-style: chr9-95449182-C-T. GRCh37 (hg19) VCF-style: chr9-98211464-C-T.
Other names: c.3493G>A, p.Val1165Met (NM_001083602.3); c.3688G>A, p.Val1230Met (NM_001083603.3); c.3238G>A, p.Val1080Met (NM_001083604.3, NM_001083605.3, NM_001083606.3 and 1 more transcripts); c.3535G>A, p.Val1179Met (NM_001354918.2); short protein forms V1165M, V1179M, V1231M, V1080M, V1230M.
Identifiers: ClinVar variation 3427247 (VCV003427247.1).

ClinVar aggregate classification (germline): Uncertain significance (1 of 4 stars; one submission).

Conditions:
Hereditary cancer-predisposing syndrome. Also called: Neoplastic Syndromes, Hereditary; Tumor predisposition; Hereditary Cancer Syndrome; Hereditary neoplastic syndrome. Identifiers: Orphanet 140162, MedGen C0027672, MeSH D009386, MONDO:0015356.

Submission:

Ambry Genetics
Classification: Uncertain significance for Hereditary cancer-predisposing syndrome. Last evaluated: 2024-08-05. Review status: criteria provided, single submitter. Criteria: Ambry Variant Classification Scheme 2023. Collection method: clinical testing. Allele origin: germline.
Comment: The p.V1231M variant (also known as c.3691G>A), located in coding exon 22 of the PTCH1 gene, results from a G to A substitution at nucleotide position 3691. The valine at codon 1231 is replaced by methionine, an amino acid with highly similar properties. This amino acid position is well conserved in available vertebrate species. In addition, the in silico prediction for this alteration is inconclusive. Based on the available evidence, the clinical significance of this variant remains unclear.